The following is an entry in ClinVar:

ClinVar aggregate classification (germline): Uncertain significance (1 of 4 stars; one submission).

Submission:

Labcorp Genetics (formerly Invitae), Labcorp
Classification: Uncertain significance. Last evaluated: 2025-06-23. Review status: criteria provided, single submitter. Criteria: Invitae Variant Classification Sherloc (09022015). Collection method: clinical testing. Allele origin: germline.
Comment: This sequence change replaces proline, which is neutral and non-polar, with serine, which is neutral and polar, at codon 381 of the CLCN2 protein (p.Pro381Ser). This variant is not present in population databases (gnomAD no frequency). This variant has not been reported in the literature in individuals affected with CLCN2-related conditions. ClinVar contains an entry for this variant (Variation ID: 3608321). Invitae Evidence Modeling of protein sequence and biophysical properties (such as structural, functional, and spatial information, amino acid conservation, physicochemical variation, residue mobility, and thermodynamic stability) indicates that this missense variant is not expected to disrupt CLCN2 protein function with a negative predictive value of 80%. In summary, the available evidence is currently insufficient to determine the role of this variant in disease. Therefore, it has been classified as a Variant of Uncertain Significance.

NM_004366.6(CLCN2):c.1141C>T (p.Pro381Ser)

Gene: CLCN2 (chloride voltage-gated channel 2; minus strand). Cytogenetic location: 3q27.1.
Variant type: single nucleotide variant.
Coding change: c.1141C>T on transcript NM_004366.6 (MANE Select); coding-DNA position 1141, C replaced by T.
Protein change: p.Pro381Ser; replaces proline 381 with serine.
Molecular consequence: missense variant.
Genome position (GRCh38, 1-based): chr3:184,355,723, G>A on the plus strand (C>T on the coding strand, the complement: CLCN2 is on the minus strand). VCF-style: chr3-184355723-G-A. GRCh37 (hg19) VCF-style: chr3-184073511-G-A.
Other names: c.1141C>T, p.Pro381Ser (NM_001171087.3, NM_001171089.3); c.1009C>T, p.Pro337Ser (NM_001171088.3); short protein forms P337S, P381S.
Identifiers: ClinVar variation 3608321 (VCV003608321.2).